The following is an entry in ClinVar:

NM_005422.4(TECTA):c.6167G>C (p.Cys2056Ser)

Genes: TBCEL-TECTA (TBCEL-TECTA readthrough; plus strand), TECTA (tectorin alpha; plus strand). Cytogenetic location: 11q23.3.
Variant type: single nucleotide variant.
Coding change: c.6167G>C on transcript NM_005422.4 (MANE Select); coding-DNA position 6167, G replaced by C.
Protein change: p.Cys2056Ser; replaces cysteine 2056 with serine.
Molecular consequence: missense variant.
Genome position (GRCh38, 1-based): chr11:121,189,084, G>C. VCF-style: chr11-121189084-G-C. GRCh37 (hg19) VCF-style: chr11-121059793-G-C.
Other names: c.7109G>C, p.Cys2370Ser (NM_001378761.1); short protein forms C2370S, C2056S.
Identifiers: ClinVar variation 5000311 (VCV005000311.1).

ClinVar aggregate classification (germline): Uncertain significance (1 of 4 stars; one submission).

Conditions:
TECTA-related disorder. Also called: TECTA-related condition.

Submission:

PreventionGenetics, part of Exact Sciences
Classification: Uncertain significance for TECTA-related condition. Last evaluated: 2025-05-27. Review status: criteria provided, single submitter. Criteria: ACMG Guidelines, 2015. Collection method: clinical testing. Allele origin: germline.
Comment: The TECTA c.6167G>C variant is predicted to result in the amino acid substitution p.Cys2056Ser. To our knowledge, this variant has not been reported in the literature or in a large population database (gnomAD), indicating it is rare. At this time, the clinical significance of this variant is uncertain due to the absence of conclusive functional and genetic evidence.